The following is an entry in ClinVar:

NM_001386140.1(MTTP):c.686C>G (p.Ala229Gly)

Gene: MTTP (microsomal triglyceride transfer protein; plus strand). Cytogenetic location: 4q23.
Variant type: single nucleotide variant.
Coding change: c.686C>G on transcript NM_001386140.1 (MANE Select); coding-DNA position 686, C replaced by G.
Protein change: p.Ala229Gly; replaces alanine 229 with glycine.
Molecular consequence: missense variant.
Genome position (GRCh38, 1-based): chr4:99,591,718, C>G. VCF-style: chr4-99591718-C-G. GRCh37 (hg19) VCF-style: chr4-100512875-C-G.
Other names: c.686C>G, p.Ala229Gly (NM_000253.4); c.437C>G, p.Ala146Gly (NM_001300785.2); short protein forms A229G, A146G.
Identifiers: ClinVar variation 2142692 (VCV002142692.2), dbSNP rs778773727, ClinGen allele CA3021919.

ClinVar aggregate classification (germline): Uncertain significance. Review status: criteria provided, multiple submitters, no conflicts (2 of 4 stars). 2 submissions from 2 submitters: Uncertain significance (2). Last evaluated 2024-09-25.

Allele frequency attached by ClinVar (database versions not stated): gnomAD 0.00001; TOPMed 0.00001; ExAC 0.00002.
gnomAD v4.1: 37 of 1,612,676 alleles (0.0023%); highest among the groups gnomAD compares: Middle Eastern, 0.25%; no homozygotes.

Submissions (2):

Blueprint Genetics
Classification: Uncertain significance. Last evaluated: 2024-09-25. Review status: criteria provided, single submitter. Criteria: ACMG Guidelines, 2015. Collection method: clinical testing. Allele origin: germline.

Labcorp Genetics (formerly Invitae), Labcorp
Classification: Uncertain significance. Last evaluated: 2022-10-25. Review status: criteria provided, single submitter. Criteria: Invitae Variant Classification Sherloc (09022015). Collection method: clinical testing. Allele origin: germline.
Comment: This sequence change replaces alanine, which is neutral and non-polar, with glycine, which is neutral and non-polar, at codon 229 of the MTTP protein (p.Ala229Gly). This variant is present in population databases (rs778773727, gnomAD 0.006%). This variant has not been reported in the literature in individuals affected with MTTP-related conditions. Advanced modeling of protein sequence and biophysical properties (such as structural, functional, and spatial information, amino acid conservation, physicochemical variation, residue mobility, and thermodynamic stability) performed at Invitae indicates that this missense variant is not expected to disrupt MTTP protein function. In summary, the available evidence is currently insufficient to determine the role of this variant in disease. Therefore, it has been classified as a Variant of Uncertain Significance.